The following is an entry in ClinVar:

ClinVar aggregate classification (germline): Uncertain significance (1 of 4 stars; one submission).

Submission:

Labcorp Genetics (formerly Invitae), Labcorp
Classification: Uncertain significance. Last evaluated: 2020-04-07. Review status: criteria provided, single submitter. Criteria: Invitae Variant Classification Sherloc (09022015). Collection method: clinical testing. Allele origin: germline.
Comment: In summary, the available evidence is currently insufficient to determine the role of this variant in disease. Therefore, it has been classified as a Variant of Uncertain Significance. Algorithms developed to predict the effect of missense changes on protein structure and function are either unavailable or do not agree on the potential impact of this missense change (SIFT: "Deleterious"; PolyPhen-2: "Benign"; Align-GVGD: "Class C35"). This variant has not been reported in the literature in individuals with VCAN-related conditions. This variant is not present in population databases (ExAC no frequency). This sequence change replaces leucine with proline at codon 1630 of the VCAN protein (p.Leu1630Pro). The leucine residue is moderately conserved and there is a moderate physicochemical difference between leucine and proline.

NM_004385.5(VCAN):c.4889T>C (p.Leu1630Pro)

Genes: VCAN (versican; plus strand), VCAN-AS1 (VCAN antisense RNA 1; minus strand). Cytogenetic location: 5q14.3.
Variant type: single nucleotide variant.
Coding change: c.4889T>C on transcript NM_004385.5 (MANE Select); coding-DNA position 4889, T replaced by C.
Protein change: p.Leu1630Pro; replaces leucine 1630 with proline.
Molecular consequence: missense variant. On other transcripts: intron variant (2).
Genome position (GRCh38, 1-based): chr5:83,537,892, T>C. VCF-style: chr5-83537892-T-C. GRCh37 (hg19) VCF-style: chr5-82833711-T-C.
Other names: c.1928T>C, p.Leu643Pro (NM_001164097.2); c.4004-7645T>C (NM_001164098.2); c.1043-7645T>C (NM_001126336.3); short protein forms L1630P, L643P.
Identifiers: ClinVar variation 1051603 (VCV001051603.9), dbSNP rs2112441083, ClinGen allele CA360309221.
Genomic context (GRCh38, chr5:83,537,892, plus strand): 5'-ATGACCTGTTGTCTACCAAAGAAAGCTGGGTAGAAGCAACTCCTAGACAAGTTGTAGAGC[T>C]CTCAGGGAGTTCTTCGATTCCAATTACAGAAGGCTCTGGAGAAGCAGAAGAAGATGAAGA-3'
Protein context (NP_004376.2, residues 1620-1640): VEATPRQVVE[Leu1630Pro]SGSSSIPITE